The following is an entry in ClinVar:

ClinVar aggregate classification (germline): Uncertain significance. Review status: criteria provided, multiple submitters, no conflicts (2 of 4 stars). 4 submissions from 4 submitters: Uncertain significance (4). Last evaluated 2026-06-12.

Conditions:
Familial thoracic aortic aneurysm and aortic dissection (TAAD). Also called: Thoracic aortic aneurysms and dissections. Identifiers: Orphanet 91387, MedGen C4707243, MONDO:0019625.
FBN1-related disorder. Also called: FBN1-related disorders.
Marfan syndrome (MFS). Also called: MARFAN SYNDROME, TYPE I; Marfan syndrome type 1; Marfan's syndrome; Marfan syndrome, classic; FBN1-Related Marfan Syndrome. Identifiers: Orphanet 284963, Orphanet 558, MedGen C0024796, MONDO:0007947, OMIM 154700.

Allele frequency attached by ClinVar (database versions not stated): TOPMed below 0.00001; ExAC 0.00002; gnomAD exomes 0.00001.
gnomAD v4.1: 8 of 1,614,132 alleles (0.0005%); highest among the groups gnomAD compares: East Asian, 0.0022%; no homozygotes.

Submissions (4):

PreventionGenetics, part of Exact Sciences
Classification: Uncertain significance for FBN1-related condition. Last evaluated: 2026-06-12. Review status: criteria provided, single submitter. Criteria: ACMG Guidelines, 2015. Collection method: clinical testing. Allele origin: germline.
Comment: The FBN1 c.2935G>A variant is predicted to result in the amino acid substitution p.Ala979Thr. To our knowledge, this variant has not been reported in the literature in individuals with FBN1-related disease. It has been reported within a cohort of individuals presenting with autism (Supplementary Data 1, Zhou et al. 2022. PubMed ID: 35982159). This variant is reported in 0.0054% of alleles in individuals of East Asian descent in gnomAD. At this time, the clinical significance of this variant is uncertain due to the absence of conclusive functional and genetic evidence.

Color Diagnostics, LLC DBA Color Health
Classification: Uncertain significance for Familial thoracic aortic aneurysm and aortic dissection. Last evaluated: 2025-08-28. Review status: criteria provided, single submitter. Criteria: ACMG Guidelines, 2015. Collection method: clinical testing. Allele origin: germline.
Comment: This missense variant replaces alanine with threonine at codon 979 of the FBN1 protein. Computational prediction is inconclusive regarding the impact of this variant on protein structure and function. To our knowledge, functional studies have not been reported for this variant. This variant has not been reported in individuals affected with FBN1-related disorders in the literature. This variant has been identified in 3/251464 chromosomes in the general population by the Genome Aggregation Database (gnomAD). The available evidence is insufficient to determine the role of this variant in disease conclusively. Therefore, this variant is classified as a Variant of Uncertain Significance.

Labcorp Genetics (formerly Invitae), Labcorp
Classification: Uncertain significance for Marfan syndrome; Familial thoracic aortic aneurysm and aortic dissection. Last evaluated: 2024-04-09. Review status: criteria provided, single submitter. Criteria: Invitae Variant Classification Sherloc (09022015). Collection method: clinical testing. Allele origin: germline.
Comment: This sequence change replaces alanine, which is neutral and non-polar, with threonine, which is neutral and polar, at codon 979 of the FBN1 protein (p.Ala979Thr). This variant is present in population databases (rs748915171, gnomAD 0.006%). This variant has not been reported in the literature in individuals affected with FBN1-related conditions. ClinVar contains an entry for this variant (Variation ID: 1437282). Advanced modeling of protein sequence and biophysical properties (such as structural, functional, and spatial information, amino acid conservation, physicochemical variation, residue mobility, and thermodynamic stability) has been performed at Invitae for this missense variant, however the output from this modeling did not meet the statistical confidence thresholds required to predict the impact of this variant on FBN1 protein function. In summary, the available evidence is currently insufficient to determine the role of this variant in disease. Therefore, it has been classified as a Variant of Uncertain Significance.

Ambry Genetics
Classification: Uncertain significance for Familial thoracic aortic aneurysm and aortic dissection. Last evaluated: 2024-03-28. Review status: criteria provided, single submitter. Criteria: Ambry Variant Classification Scheme 2023. Collection method: clinical testing. Allele origin: germline.
Comment: The p.A979T variant (also known as c.2935G>A), located in coding exon 24 of the FBN1 gene, results from a G to A substitution at nucleotide position 2935. The alanine at codon 979 is replaced by threonine, an amino acid with similar properties. This amino acid position is well conserved in available vertebrate species. In addition, the in silico prediction for this alteration is inconclusive. Based on the available evidence, the clinical significance of this alteration remains unclear.

NM_000138.5(FBN1):c.2935G>A (p.Ala979Thr)

Gene: FBN1 (fibrillin 1; minus strand). Cytogenetic location: 15q21.1.
Variant type: single nucleotide variant.
Coding change: c.2935G>A on transcript NM_000138.5 (MANE Select); coding-DNA position 2935, G replaced by A.
Protein change: p.Ala979Thr; replaces alanine 979 with threonine.
Molecular consequence: missense variant.
Genome position (GRCh38, 1-based): chr15:48,489,998, C>T on the plus strand (G>A on the coding strand, the complement: FBN1 is on the minus strand). VCF-style: chr15-48489998-C-T. GRCh37 (hg19) VCF-style: chr15-48782195-C-T.
Other names: c.2935G>A (NM_000138.4); short protein forms A979T.
Identifiers: ClinVar variation 1437282 (VCV001437282.10), dbSNP rs748915171, ClinGen allele CA049439.